The following is an entry in ClinVar:

ClinVar aggregate classification (germline): Benign. Review status: criteria provided, multiple submitters, no conflicts (2 of 4 stars). 3 submissions from 3 submitters: Benign (3). Last evaluated 2026-09-21.

Allele frequency attached by ClinVar (database versions not stated): gnomAD exomes 0.62568 and 0.63063; ExAC 0.61880; ESP Exome Variant Server 0.52568; gnomAD 0.54641 and 0.55339; TOPMed 0.54787; 1000 Genomes Project 30x 0.56355; 1000 Genomes Project 0.56430.
gnomAD v4.1: 826,178 of 1,331,064 alleles (62%); highest among the groups gnomAD compares: East Asian, 73%; 261,554 homozygotes.

Submissions (3):

Molecular Diagnostic Laboratory for Inherited Cardiovascular Disease, Montreal Heart Institute
Classification: Benign. Last evaluated: 2026-09-21. Review status: criteria provided, single submitter. Criteria: ACMG Guidelines, 2015. Collection method: clinical testing. Allele origin: germline. Affected: no.
Comment: BA1

GeneDx
Classification: Benign. Last evaluated: 2021-05-13. Review status: criteria provided, single submitter. Criteria: GeneDx Variant Classification Process June 2021. Collection method: clinical testing. Allele origin: germline. Affected: yes.

Breakthrough Genomics
Classification: Benign. Review status: criteria provided, single submitter. Criteria: ACMG Guidelines, 2015. Collection method: not provided. Allele origin: germline. Inheritance: Unknown mechanism. Affected: yes.

NM_198060.4(NRAP):c.1216-33T>C

Gene: NRAP (nebulin related anchoring protein; minus strand). Cytogenetic location: 10q25.3.
Variant type: single nucleotide variant.
Coding change: c.1216-33T>C on transcript NM_198060.4 (MANE Select); 33 bases into the intron before coding-DNA position 1216, T replaced by C.
Molecular consequence: intron variant.
Genome position (GRCh38, 1-based): chr10:113,641,505, A>G on the plus strand (T>C on the coding strand, the complement: NRAP is on the minus strand). VCF-style: chr10-113641505-A-G. GRCh37 (hg19) VCF-style: chr10-115401264-A-G.
Other names: c.1111-33T>C (NM_006175.5); c.1216-33T>C (NM_001322945.2, NM_001261463.2, NM_198060.3).
Identifiers: ClinVar variation 1234570 (VCV001234570.5), dbSNP rs3121465, ClinGen allele CA5695622.
Genomic context (GRCh38, chr10:113,641,505, plus strand): 5'-GGTTCTGGTAGTTTTCTTTATATTTATTCTACATGGAAACGCAAAGTTTTCAACCAAAGC[A>G]TTCCCTTCACAAGTAGTTGAAGATAAACTACTCATCTTAATGCATTAAATCCAAGGCATA-3'